The following is an entry in ClinVar:

NM_002529.4(NTRK1):c.474del (p.Trp158fs)

Gene: NTRK1 (neurotrophic receptor tyrosine kinase 1; plus strand). Cytogenetic location: 1q23.1.
Variant type: Deletion.
Coding change: c.474del on transcript NM_002529.4 (MANE Select); coding-DNA position 474, one base deleted (G; older notation c.474delG).
Protein change: p.Trp158fs; shifts the reading frame from tryptophan 158.
Molecular consequence: frameshift variant.
Genome position (GRCh38, 1-based): chr1:156,868,149, G deleted; the last of 2 consecutive G bases (chr1:156,868,148-156,868,149); deleting either gives the same sequence. VCF-style (leftmost placement, unchanged base first): chr1-156868147-TG-T. GRCh37 (hg19) VCF-style: chr1-156837939-TG-T.
Other names: c.474delG, p.Trp158Cysfs (NM_001007204.1); c.384del, p.Trp128fs (NM_001007792.1); c.474del, p.Trp158fs (NM_001012331.2); short protein forms W128fs, W158fs.
Identifiers: ClinVar variation 2779980 (VCV002779980.3), dbSNP rs2525589981, ClinGen allele CA2586964208.

ClinVar aggregate classification (germline): Pathogenic (1 of 4 stars; one submission).

Conditions:
Hereditary insensitivity to pain with anhidrosis (CIPA). Also called: FAMILIAL DYSAUTONOMIA, TYPE II; NEUROPATHY, CONGENITAL SENSORY, WITH ANHIDROSIS; hereditary sensory and autonomic neuropathy type 4; HSAN Type IV; INSENSITIVITY TO PAIN, CONGENITAL, WITH ANHIDROSIS; NTRK1 Congenital Insensitivity to Pain with Anhidrosis. Identifiers: Orphanet 642, MedGen C0020074, MONDO:0009746, OMIM 256800.

Submission:

Labcorp Genetics (formerly Invitae), Labcorp
Classification: Pathogenic for Hereditary insensitivity to pain with anhidrosis. Last evaluated: 2023-07-19. Review status: criteria provided, single submitter. Criteria: Invitae Variant Classification Sherloc (09022015). Collection method: clinical testing. Allele origin: germline.
Comment: This sequence change creates a premature translational stop signal (p.Trp158Cysfs*39) in the NTRK1 gene. It is expected to result in an absent or disrupted protein product. Loss-of-function variants in NTRK1 are known to be pathogenic (PMID: 10982191). This variant is not present in population databases (gnomAD no frequency). This premature translational stop signal has been observed in individual(s) with hereditary sensory and autonomic neuropathy (PMID: 32219930). For these reasons, this variant has been classified as Pathogenic.

Literature cited by the submitters: PubMed 10982191; PubMed 32219930.